The following is an entry in ClinVar:

ClinVar aggregate classification (germline): Benign/Likely benign. Review status: criteria provided, multiple submitters, no conflicts (2 of 4 stars). 2 submissions from 2 submitters: Benign (1); Likely benign (1). Last evaluated 2025-11-02.

Allele frequency attached by ClinVar (database versions not stated): ExAC 0.00012; gnomAD exomes 0.00012.
gnomAD v4.1: 125 of 1,612,586 alleles (0.0078%); highest among the groups gnomAD compares: Admixed American, 0.028%; 2 homozygotes.

Submissions (2):

Labcorp Genetics (formerly Invitae), Labcorp
Classification: Benign. Last evaluated: 2025-11-02. Review status: criteria provided, single submitter. Criteria: Invitae Variant Classification Sherloc (09022015). Collection method: clinical testing. Allele origin: germline.

CeGaT Center for Human Genetics Tuebingen
Classification: Likely benign. Last evaluated: 2023-10-01. Review status: criteria provided, single submitter. Criteria: CeGaT Center For Human Genetics Tuebingen Variant Classification Criteria Version 2. Collection method: clinical testing. Allele origin: germline. Affected: yes. Observed: 1 variant allele.
Comment: PCLO: BS1

NM_033026.6(PCLO):c.13391C>T (p.Pro4464Leu)

Gene: PCLO (piccolo presynaptic cytomatrix protein; minus strand). Cytogenetic location: 7q21.11.
Variant type: single nucleotide variant.
Coding change: c.13391C>T on transcript NM_033026.6 (MANE Select); coding-DNA position 13391, C replaced by T.
Protein change: p.Pro4464Leu; replaces proline 4464 with leucine.
Molecular consequence: missense variant.
Genome position (GRCh38, 1-based): chr7:82,908,923, G>A on the plus strand (C>T on the coding strand, the complement: PCLO is on the minus strand). VCF-style: chr7-82908923-G-A. GRCh37 (hg19) VCF-style: chr7-82538239-G-A.
Other names: c.13391C>T, p.Pro4464Leu (NM_014510.3); short protein forms P4464L.
Identifiers: ClinVar variation 1385669 (VCV001385669.28), dbSNP rs200789291, ClinGen allele CA4319178.
Genomic context (GRCh38, chr7:82,908,923, plus strand): 5'-AATATAGCACTTACTTGCTCTTGATGTTGACTGAGTGGTCTAGAGTGGACCAATCTTTCC[G>A]GCAGTTTTCGGTCCAGACCATGTCCATTTTCCAAACGAGACTCCCTGGGTTTATCAAACC-3'
Protein context (NP_149015.2, residues 4454-4474): ENGHGLDRKL[Pro4464Leu]ERLVHSRPLS